The following is an entry in ClinVar:

ClinVar aggregate classification (germline): Uncertain significance (1 of 4 stars; one submission).

Submission:

GeneDx
Classification: Uncertain significance. Last evaluated: 2023-04-17. Review status: criteria provided, single submitter. Criteria: GeneDx Variant Classification Process June 2021. Collection method: clinical testing. Allele origin: germline. Affected: yes.
Comment: In-frame deletion of 1 amino acids in a non-repeat region; Not observed at significant frequency in large population cohorts (gnomAD); In silico analysis supports a deleterious effect on protein structure/function; Has not been previously published as pathogenic or benign to our knowledge; This variant is associated with the following publications: (PMID: 25471517)

NM_005051.3(QARS1):c.1739_1741del (p.Thr580del)

Gene: QARS1 (glutaminyl-tRNA synthetase 1; minus strand). Cytogenetic location: 3p21.31.
Variant type: Deletion.
Coding change: c.1739_1741del on transcript NM_005051.3 (MANE Select); coding-DNA positions 1739 to 1741, 3 bases deleted (CCA; older notation c.1739_1741delCCA).
Protein change: p.Thr580del; deletes threonine 580.
Molecular consequence: inframe deletion. On other transcripts: non-coding transcript variant (1).
Genome position (GRCh38, 1-based): chr3:49,099,127-49,099,129, TGG deleted on the plus strand (CCA on the coding strand, the reverse complement: QARS1 is on the minus strand); deleting any 3 consecutive bases within chr3:49,099,127-49,099,131 gives the same sequence; the c. name uses the placement nearest the transcript's 3' end. VCF-style (leftmost placement, unchanged base first): chr3-49099126-TTGG-T. GRCh37 (hg19) VCF-style: chr3-49136559-TTGG-T.
Other names: c.1706_1708del, p.Thr569del (NM_001272073.2); short protein forms T569del, T580del.
Identifiers: ClinVar variation 2662853 (VCV002662853.1), dbSNP rs2471846483, ClinGen allele CA2695197904.